The following is an entry in ClinVar:

NM_001352514.2(HLCS):c.494-25TC[4]

Gene: HLCS (holocarboxylase synthetase; minus strand). Cytogenetic location: 21q22.13.
Variant type: Microsatellite.
Coding change: c.494-25TC[4] on transcript NM_001352514.2 (MANE Select); four copies in a row of the 2-base unit TC starting at c.494-25; the reference has five copies in a row; one copy, 2 bases deleted.
Molecular consequence: intron variant.
Genome position (GRCh38, 1-based): chr21:36,937,408-36,937,409, GA deleted on the plus strand (TC on the coding strand, the reverse complement: HLCS is on the minus strand); deleting any 2 consecutive bases within chr21:36,937,408-36,937,417 gives the same sequence; the position shown is the placement nearest the transcript's 3' end. VCF-style (leftmost placement, unchanged base first): chr21-36937407-GGA-G. GRCh37 (hg19) VCF-style: chr21-38309707-GGA-G.
Other names: c.53-17_53-16delTC (NM_000411.6); c.53-25TC[4] (NM_001352517.1, NM_001242785.2, NM_001352515.2 and 4 more transcripts).
Identifiers: ClinVar variation 339972 (VCV000339972.12), dbSNP rs146532042, ClinGen allele CA10020751.

ClinVar aggregate classification (germline): Benign/Likely benign. Review status: criteria provided, multiple submitters, no conflicts (2 of 4 stars). 2 submissions from 2 submitters: Benign (1); Likely benign (1). Last evaluated 2026-01-28.

Conditions:
Holocarboxylase synthetase deficiency. Also called: MULTIPLE CARBOXYLASE DEFICIENCY, EARLY ONSET. Identifiers: Orphanet 79242, MedGen C0268581, MONDO:0009666, OMIM 253270.

Submissions (2):

Labcorp Genetics (formerly Invitae), Labcorp
Classification: Benign for Holocarboxylase synthetase deficiency. Last evaluated: 2026-01-28. Review status: criteria provided, single submitter. Criteria: Invitae Variant Classification Sherloc (09022015). Collection method: clinical testing. Allele origin: germline.

GeneDx
Classification: Likely benign. Last evaluated: 2017-09-28. Review status: criteria provided, single submitter. Criteria: GeneDx Variant Classification (06012015). Collection method: clinical testing. Allele origin: germline. Affected: yes.
Comment: This variant is considered likely benign or benign based on one or more of the following criteria: it is a conservative change, it occurs at a poorly conserved position in the protein, it is predicted to be benign by multiple in silico algorithms, and/or has population frequency not consistent with disease.